The following is an entry in ClinVar:

ClinVar aggregate classification (germline): Uncertain significance (1 of 4 stars; one submission).

Submission:

Labcorp Genetics (formerly Invitae), Labcorp
Classification: Uncertain significance. Last evaluated: 2025-02-10. Review status: criteria provided, single submitter. Criteria: Invitae Variant Classification Sherloc (09022015). Collection method: clinical testing. Allele origin: germline.
Comment: This sequence change replaces proline, which is neutral and non-polar, with leucine, which is neutral and non-polar, at codon 419 of the THBD protein (p.Pro419Leu). This variant is present in population databases (rs747172703, gnomAD 0.007%). This variant has not been reported in the literature in individuals affected with THBD-related conditions. An algorithm developed to predict the effect of missense changes on protein structure and function (PolyPhen-2) suggests that this variant is likely to be disruptive. In summary, the available evidence is currently insufficient to determine the role of this variant in disease. Therefore, it has been classified as a Variant of Uncertain Significance.

NM_000361.3(THBD):c.1256C>T (p.Pro419Leu)

Gene: THBD (thrombomodulin; minus strand). Cytogenetic location: 20p11.21.
Variant type: single nucleotide variant.
Coding change: c.1256C>T on transcript NM_000361.3 (MANE Select); coding-DNA position 1256, C replaced by T.
Protein change: p.Pro419Leu; replaces proline 419 with leucine.
Molecular consequence: missense variant.
Genome position (GRCh38, 1-based): chr20:23,048,249, G>A on the plus strand (C>T on the coding strand, the complement: THBD is on the minus strand). VCF-style: chr20-23048249-G-A. GRCh37 (hg19) VCF-style: chr20-23028886-G-A.
Other names: short protein forms P419L.
Identifiers: ClinVar variation 4809022 (VCV004809022.1).